The following is an entry in ClinVar:

NM_000202.8(IDS):c.1505G>A (p.Trp502Ter)

Gene: IDS (iduronate 2-sulfatase; minus strand). Cytogenetic location: Xq28.
Variant type: single nucleotide variant.
Coding change: c.1505G>A on transcript NM_000202.8 (MANE Select); coding-DNA position 1505, G replaced by A.
Protein change: p.Trp502Ter; replaces tryptophan 502 with a stop codon.
Molecular consequence: nonsense.
Genome position (GRCh38, 1-based): chrX:149,482,894, C>T on the plus strand (G>A on the coding strand, the complement: IDS is on the minus strand). VCF-style: chrX-149482894-C-T. GRCh37 (hg19) VCF-style: chrX-148564425-C-T.
Other names: c.1235G>A, p.Trp412Ter (NM_001166550.4); short protein forms W412*, W502*.
Identifiers: ClinVar variation 997034 (VCV000997034.7), dbSNP rs199422228, ClinGen allele CA414517946.

ClinVar aggregate classification (germline): Pathogenic/Likely pathogenic. Review status: criteria provided, multiple submitters, no conflicts (2 of 4 stars). 4 submissions from 4 submitters: Pathogenic (3); Likely pathogenic (1). Last evaluated 2025-02-04.

Conditions:
Mucopolysaccharidosis, MPS-II (MPS2). Also called: Mucopolysaccharidosis type 2; Hunter Syndrome; IDURONATE 2-SULFATASE DEFICIENCY; Mucopolysaccharidosis Type II; IDS deficiency; Sulfoiduronate sulfatase deficiency. Identifiers: Orphanet 580, Orphanet 79388, MedGen C0026705, MONDO:0010674, OMIM 309900.

Submissions (4):

Labcorp Genetics (formerly Invitae), Labcorp
Classification: Pathogenic for Mucopolysaccharidosis, MPS-II. Last evaluated: 2025-02-04. Review status: criteria provided, single submitter. Criteria: Invitae Variant Classification Sherloc (09022015). Collection method: clinical testing. Allele origin: germline.
Comment: This sequence change creates a premature translational stop signal (p.Trp502*) in the IDS gene. While this is not anticipated to result in nonsense mediated decay, it is expected to disrupt the last 49 amino acid(s) of the IDS protein. This variant is not present in population databases (gnomAD no frequency). This premature translational stop signal has been observed in individual(s) with Hunter syndrome (PMID: 7492967, 9660053, 21829674, 35144014). ClinVar contains an entry for this variant (Variation ID: 997034). For these reasons, this variant has been classified as Pathogenic.

Laboratory of Diagnosis and Therapy of Lysosomal Disorders, University of Padova
Classification: Likely pathogenic for Mucopolysaccharidosis, MPS-II. Last evaluated: 2024-06-07. Review status: criteria provided, single submitter. Criteria: ACMG Guidelines, 2015. Collection method: literature only. Allele origin: germline. Affected: yes. Observed: 6 variant alleles.
Comment: Null variant (PVS1_Strong), Prevalence of the variant significantly increased in affected individuals compared with controls (PS4_Supporting), Absent from controls (or at low frequency) in gnomAD database (PM2_Moderate), Patient’s phenotype or family history highly specific for the disease (PP4_Moderate)

Classification method: ACMG Guidelines [PMID:25741868] with modifications

Genome-Nilou Lab
Classification: Pathogenic for Mucopolysaccharidosis, MPS-II. Last evaluated: 2021-09-05. Review status: criteria provided, single submitter. Criteria: ACMG Guidelines, 2015. Collection method: clinical testing. Allele origin: germline. Affected: no.

Department of Medical Genetics, Sanjay Gandhi Post Graduate Institute of Medical Sciences
Classification: Pathogenic for Mucopolysaccharidosis, MPS-II. Review status: criteria provided, single submitter. Criteria: ACMG Guidelines, 2015. Collection method: clinical testing. Allele origin: maternal. Inheritance: X-linked recessive inheritance. Affected: yes. Observed: 1 variant allele, 1 hemizygote.

Literature cited by the submitters: PubMed 7492967 (cited by Labcorp Genetics (formerly Invitae), Labcorp and Laboratory of Diagnosis and Therapy of Lysosomal Disorders, University of Padova); PubMed 9660053 (cited by Labcorp Genetics (formerly Invitae), Labcorp and Laboratory of Diagnosis and Therapy of Lysosomal Disorders, University of Padova); PubMed 21829674 (cited by Labcorp Genetics (formerly Invitae), Labcorp and Laboratory of Diagnosis and Therapy of Lysosomal Disorders, University of Padova); PubMed 35144014 (cited by Labcorp Genetics (formerly Invitae), Labcorp and Laboratory of Diagnosis and Therapy of Lysosomal Disorders, University of Padova); PubMed 35225932 (cited by Laboratory of Diagnosis and Therapy of Lysosomal Disorders, University of Padova); PubMed 9950361 (cited by Laboratory of Diagnosis and Therapy of Lysosomal Disorders, University of Padova).